The following is an entry in ClinVar:

NM_000553.6(WRN):c.1699_1701del (p.Asn567del)

Gene: WRN (WRN RecQ like helicase; plus strand). Cytogenetic location: 8p12.
Variant type: Deletion.
Coding change: c.1699_1701del on transcript NM_000553.6 (MANE Select); coding-DNA positions 1699 to 1701, 3 bases deleted (AAT; older notation c.1699_1701delAAT).
Protein change: p.Asn567del; deletes asparagine 567.
Molecular consequence: inframe deletion.
Genome position (GRCh38, 1-based): chr8:31,090,511-31,090,513, AAT deleted; deleting any 3 consecutive bases within chr8:31,090,509-31,090,513 gives the same sequence; the c. name uses the placement nearest the transcript's 3' end. VCF-style (leftmost placement, unchanged base first): chr8-31090508-GATA-G. GRCh37 (hg19) VCF-style: chr8-30948024-GATA-G.
Other names: short protein forms N567del.
Identifiers: ClinVar variation 1375765 (VCV001375765.6), dbSNP rs2130171395, ClinGen allele CA2573142727.

ClinVar aggregate classification (germline): Uncertain significance (1 of 4 stars; one submission).

Conditions:
Werner syndrome (WRN). Identifiers: Orphanet 902, MedGen C0043119, MONDO:0010196, OMIM 277700.

Submission:

Labcorp Genetics (formerly Invitae), Labcorp
Classification: Uncertain significance for Werner syndrome. Last evaluated: 2021-08-30. Review status: criteria provided, single submitter. Criteria: Invitae Variant Classification Sherloc (09022015). Collection method: clinical testing. Allele origin: germline.
Comment: This variant, c.1699_1701del, results in the deletion of 1 amino acid(s) of the WRN protein (p.Asn567del), but otherwise preserves the integrity of the reading frame. This variant is not present in population databases (ExAC no frequency). This variant has not been reported in the literature in individuals affected with WRN-related conditions. Experimental studies and prediction algorithms are not available or were not evaluated, and the functional significance of this variant is currently unknown. In summary, the available evidence is currently insufficient to determine the role of this variant in disease. Therefore, it has been classified as a Variant of Uncertain Significance.